The following is an entry in ClinVar:

ClinVar aggregate classification (germline): Benign (1 of 4 stars; one submission).

Conditions:
Xeroderma pigmentosum variant type. Also called: POLH-Related Xeroderma Pigmentosum; PHOTOSENSITIVITY WITH DEFECTIVE DNA SYNTHESIS; XERODERMA PIGMENTOSUM WITH NORMAL DNA REPAIR RATES. Identifiers: Orphanet 90342, MedGen C1848410, MONDO:0010214, OMIM 278750.

Allele frequency attached by ClinVar (database versions not stated): gnomAD 0.00589; TOPMed 0.00628; 1000 Genomes Project 0.00679; 1000 Genomes Project 30x 0.00765.

Submission:

Illumina Laboratory Services, Illumina
Classification: Benign for Xeroderma pigmentosum variant type. Last evaluated: 2018-01-13. Review status: criteria provided, single submitter. Criteria: ICSL Variant Classification Criteria 13 December 2019. Collection method: clinical testing. Allele origin: germline.
Comment: This variant was observed in the ICSL laboratory as part of a predisposition screen in an ostensibly healthy population. It had not been previously curated by ICSL or reported in the Human Gene Mutation Database (HGMD: prior to June 1st, 2018), and was therefore a candidate for classification through an automated scoring system. Utilizing variant allele frequency, disease prevalence and penetrance estimates, and inheritance mode, an automated score was calculated to assess if this variant is too frequent to cause the disease. Based on the score and internal cut-off values, a variant classified as benign is not then subjected to further curation. The score for this variant resulted in a classification of benign for this disease.

NM_006502.3(POLH):c.-117C>T

Genes: POLH (DNA polymerase eta; plus strand), LOC129996521 (ATAC-STARR-seq lymphoblastoid active region 24604; plus strand). Cytogenetic location: 6p21.1.
Variant type: single nucleotide variant.
Coding change: c.-117C>T on transcript NM_006502.3 (MANE Select); 117 bases upstream of the start codon, C replaced by T.
Molecular consequence: 5 prime UTR variant.
Genome position (GRCh38, 1-based): chr6:43,576,328, C>T. VCF-style: chr6-43576328-C-T. GRCh37 (hg19) VCF-style: chr6-43544065-C-T.
Other names: c.-130C>T (NM_001291969.2); c.-117C>T (NM_001291970.2).
Identifiers: ClinVar variation 356893 (VCV000356893.7), dbSNP rs56300149, ClinGen allele CA10622148.